The following is an entry in ClinVar:

ClinVar aggregate classification (germline): Uncertain significance (1 of 4 stars; one submission).

Submission:

GeneDx
Classification: Uncertain significance. Last evaluated: 2026-07-19. Review status: criteria provided, single submitter. Criteria: GeneDx Variant Classification Process June 2021. Collection method: clinical testing. Allele origin: germline.
Comment: Not observed at significant frequency in large population cohorts (gnomAD); In silico analysis supports that this missense variant has a deleterious effect on protein structure/function; Has not been previously published as pathogenic or benign to our knowledge

NM_002474.3(MYH11):c.1819C>T (p.Leu607Phe)

Gene: MYH11 (myosin heavy chain 11; minus strand). Cytogenetic location: 16p13.11.
Variant type: single nucleotide variant.
Coding change: c.1819C>T on transcript NM_002474.3 (MANE Select); coding-DNA position 1819, C replaced by T.
Protein change: p.Leu607Phe; replaces leucine 607 with phenylalanine.
Molecular consequence: missense variant.
Genome position (GRCh38, 1-based): chr16:15,753,439, G>A on the plus strand (C>T on the coding strand, the complement: MYH11 is on the minus strand). VCF-style: chr16-15753439-G-A. GRCh37 (hg19) VCF-style: chr16-15847296-G-A.
Other names: c.1840C>T, p.Leu614Phe (NM_001040113.2, NM_001040114.2); c.1819C>T, p.Leu607Phe (NM_022844.3); short protein forms L607F, L614F.
Identifiers: ClinVar variation 3776539 (VCV003776539.2).